The following is an entry in ClinVar:

ClinVar aggregate classification (germline): Uncertain significance (1 of 4 stars; one submission).

gnomAD v4.1: 1 of 1,549,200 alleles (0.000065%); highest among the groups gnomAD compares: Non-Finnish European, 0.000087%; no homozygotes.

Submission:

Labcorp Genetics (formerly Invitae), Labcorp
Classification: Uncertain significance. Last evaluated: 2025-09-11. Review status: criteria provided, single submitter. Criteria: Invitae Variant Classification Sherloc (09022015). Collection method: clinical testing. Allele origin: germline.
Comment: This sequence change replaces cysteine, which is neutral and slightly polar, with arginine, which is basic and polar, at codon 161 of the DHX32 protein (p.Cys161Arg). This variant is not present in population databases (gnomAD no frequency). This variant has not been reported in the literature in individuals affected with DHX32-related conditions. An algorithm developed to predict the effect of missense changes on protein structure and function (PolyPhen-2) suggests that this variant is likely to be disruptive. In summary, the available evidence is currently insufficient to determine the role of this variant in disease. Therefore, it has been classified as a Variant of Uncertain Significance.

NM_018180.3(DHX32):c.481T>C (p.Cys161Arg)

Gene: DHX32 (DEAH-box helicase 32 (putative); minus strand). Cytogenetic location: 10q26.2.
Variant type: single nucleotide variant.
Coding change: c.481T>C on transcript NM_018180.3 (MANE Select); coding-DNA position 481, T replaced by C.
Protein change: p.Cys161Arg; replaces cysteine 161 with arginine.
Molecular consequence: missense variant.
Genome position (GRCh38, 1-based): chr10:125,859,971, A>G on the plus strand (T>C on the coding strand, the complement: DHX32 is on the minus strand). VCF-style: chr10-125859971-A-G. GRCh37 (hg19) VCF-style: chr10-127548540-A-G.
Other names: short protein forms C161R.
Identifiers: ClinVar variation 4777437 (VCV004777437.1).